The following is an entry in ClinVar:

ClinVar aggregate classification (germline): Uncertain significance (1 of 4 stars; one submission).

Conditions:
Cardiovascular phenotype. Identifiers: MedGen CN230736.

Submission:

Ambry Genetics
Classification: Uncertain significance for Cardiovascular phenotype. Last evaluated: 2025-07-12. Review status: criteria provided, single submitter. Criteria: Ambry Variant Classification Scheme 2023. Collection method: clinical testing. Allele origin: germline.
Comment: The p.Q525H variant (also known as c.1575G>T), located in coding exon 9 of the CYP27A1 gene, results from a G to T substitution at nucleotide position 1575. The glutamine at codon 525 is replaced by histidine, an amino acid with highly similar properties. This amino acid position is conserved. In addition, this alteration is predicted to be tolerated by in silico analysis. Based on the available evidence, the clinical significance of this variant remains unclear.

NM_000784.4(CYP27A1):c.1575G>T (p.Gln525His)

Gene: CYP27A1 (cytochrome P450 family 27 subfamily A member 1; plus strand). Cytogenetic location: 2q35.
Variant type: single nucleotide variant.
Coding change: c.1575G>T on transcript NM_000784.4 (MANE Select); coding-DNA position 1575, G replaced by T.
Protein change: p.Gln525His; replaces glutamine 525 with histidine.
Molecular consequence: missense variant.
Genome position (GRCh38, 1-based): chr2:218,815,009, G>T. VCF-style: chr2-218815009-G-T. GRCh37 (hg19) VCF-style: chr2-219679732-G-T.
Other names: short protein forms Q525H.
Identifiers: ClinVar variation 4236785 (VCV004236785.1).